The following is an entry in ClinVar:

ClinVar aggregate classification (germline): Uncertain significance. Review status: criteria provided, multiple submitters, no conflicts (2 of 4 stars). 2 submissions from 2 submitters: Uncertain significance (2). Last evaluated 2022-02-25.

Conditions:
Intellectual developmental disorder, autosomal recessive 61. Also called: Intellectual disability, autosomal recessive 61; ALWADEI SYNDROME; MENTAL RETARDATION, AUTOSOMAL RECESSIVE 61. Identifiers: MedGen C4540424, MONDO:0030915, OMIM 617773.

Allele frequency attached by ClinVar (database versions not stated): TOPMed 0.00001; gnomAD 0.00001.
gnomAD v4.1: 8 of 1,613,418 alleles (0.0005%); highest among the groups gnomAD compares: Admixed American, 0.0017%; no homozygotes.

Submissions (2):

Labcorp Genetics (formerly Invitae), Labcorp
Classification: Uncertain significance. Last evaluated: 2022-02-25. Review status: criteria provided, single submitter. Criteria: Invitae Variant Classification Sherloc (09022015). Collection method: clinical testing. Allele origin: germline.
Comment: In summary, the available evidence is currently insufficient to determine the role of this variant in disease. Therefore, it has been classified as a Variant of Uncertain Significance. Algorithms developed to predict the effect of missense changes on protein structure and function (SIFT, PolyPhen-2, Align-GVGD) all suggest that this variant is likely to be disruptive. This variant has not been reported in the literature in individuals affected with RUSC2-related conditions. This variant is present in population databases (no rsID available, gnomAD 0.003%). This sequence change replaces serine, which is neutral and polar, with leucine, which is neutral and non-polar, at codon 513 of the RUSC2 protein (p.Ser513Leu).

Revvity Omics, Revvity
Classification: Uncertain significance for Intellectual developmental disorder, autosomal recessive 61. Last evaluated: 2021-12-15. Review status: criteria provided, single submitter. Criteria: ACMG Guidelines, 2015. Collection method: clinical testing. Allele origin: germline.

NM_014806.5(RUSC2):c.1538C>T (p.Ser513Leu)

Gene: RUSC2 (RUN and SH3 domain containing 2; plus strand). Cytogenetic location: 9p13.3.
Variant type: single nucleotide variant.
Coding change: c.1538C>T on transcript NM_014806.5 (MANE Select); coding-DNA position 1538, C replaced by T.
Protein change: p.Ser513Leu; replaces serine 513 with leucine.
Molecular consequence: missense variant. On other transcripts: non-coding transcript variant (1), intron variant (1).
Genome position (GRCh38, 1-based): chr9:35,548,059, C>T. VCF-style: chr9-35548059-C-T. GRCh37 (hg19) VCF-style: chr9-35548056-C-T.
Other names: c.1538C>T (NM_001135999.1); c.1538C>T, p.Ser513Leu (NM_001135999.2); c.-620-7001C>T (NM_001330740.2); short protein forms S513L.
Identifiers: ClinVar variation 1951135 (VCV001951135.8), dbSNP rs1401001501, ClinGen allele CA373333949.